The following is an entry in ClinVar:

ClinVar aggregate classification (germline): Uncertain significance (1 of 4 stars; one submission).

Submission:

Labcorp Genetics (formerly Invitae), Labcorp
Classification: Uncertain significance. Last evaluated: 2024-02-12. Review status: criteria provided, single submitter. Criteria: Invitae Variant Classification Sherloc (09022015). Collection method: clinical testing. Allele origin: germline.
Comment: This sequence change creates a premature translational stop signal (p.Thr5127Leufs*12) in the HMCN1 gene. It is expected to result in an absent or disrupted protein product. However, the current clinical and genetic evidence is not sufficient to establish whether loss-of-function variants in HMCN1 cause disease. This variant is not present in population databases (gnomAD no frequency). This variant has not been reported in the literature in individuals affected with HMCN1-related conditions. Experimental studies and prediction algorithms are not available or were not evaluated, and the functional significance of this variant is currently unknown. In summary, the available evidence is currently insufficient to determine the role of this variant in disease. Therefore, it has been classified as a Variant of Uncertain Significance.

NM_031935.3(HMCN1):c.15378del (p.Thr5127fs)

Gene: HMCN1 (hemicentin 1; plus strand). Cytogenetic location: 1q31.1.
Variant type: Deletion.
Coding change: c.15378del on transcript NM_031935.3 (MANE Select); coding-DNA position 15378, one base deleted (G; older notation c.15378delG).
Protein change: p.Thr5127fs; shifts the reading frame from threonine 5127.
Molecular consequence: frameshift variant.
Genome position (GRCh38, 1-based): chr1:186,166,242, G deleted; the last of 4 consecutive G bases (chr1:186,166,239-186,166,242); deleting any one gives the same sequence. VCF-style (leftmost placement, unchanged base first): chr1-186166238-TG-T. GRCh37 (hg19) VCF-style: chr1-186135370-TG-T.
Other names: short protein forms T5127fs.
Identifiers: ClinVar variation 3638518 (VCV003638518.2).